The following is an entry in ClinVar:

ClinVar aggregate classification (germline): Uncertain significance. Review status: criteria provided, single submitter (1 of 4 stars). 2 submissions from 2 submitters: Uncertain significance (1). 1 of the submissions does not count toward it. Last evaluated 2023-11-19.

Conditions:
DLL4-related disorder. Also called: DLL4-related condition.

Allele frequency attached by ClinVar (database versions not stated): gnomAD 0.00001; TOPMed 0.00001; gnomAD exomes 0.00003; ExAC 0.00004.

Submissions (2):

Labcorp Genetics (formerly Invitae), Labcorp
Classification: Uncertain significance. Last evaluated: 2023-11-19. Review status: criteria provided, single submitter. Criteria: Invitae Variant Classification Sherloc (09022015). Collection method: clinical testing. Allele origin: germline.
Comment: This sequence change replaces alanine, which is neutral and non-polar, with valine, which is neutral and non-polar, at codon 642 of the DLL4 protein (p.Ala642Val). This variant is present in population databases (rs764975171, gnomAD 0.003%). This variant has not been reported in the literature in individuals affected with DLL4-related conditions. Advanced modeling of protein sequence and biophysical properties (such as structural, functional, and spatial information, amino acid conservation, physicochemical variation, residue mobility, and thermodynamic stability) performed at Invitae indicates that this missense variant is not expected to disrupt DLL4 protein function with a negative predictive value of 80%. In summary, the available evidence is currently insufficient to determine the role of this variant in disease. Therefore, it has been classified as a Variant of Uncertain Significance.

PreventionGenetics, part of Exact Sciences
Classification: Uncertain significance for DLL4-related condition. Last evaluated: 2024-08-07. Review status: no assertion criteria provided. Collection method: clinical testing. Allele origin: germline. Not counted in ClinVar's aggregate classification.
Comment: The DLL4 c.1925C>T variant is predicted to result in the amino acid substitution p.Ala642Val. To our knowledge, this variant has not been reported in the literature. This variant is reported in 0.0034% of alleles in individuals of South Asian descent in gnomAD. At this time, the clinical significance of this variant is uncertain due to the absence of conclusive functional and genetic evidence.

NM_019074.4(DLL4):c.1925C>T (p.Ala642Val)

Gene: DLL4 (delta like canonical Notch ligand 4; plus strand). Cytogenetic location: 15q15.1.
Variant type: single nucleotide variant.
Coding change: c.1925C>T on transcript NM_019074.4 (MANE Select); coding-DNA position 1925, C replaced by T.
Protein change: p.Ala642Val; replaces alanine 642 with valine.
Molecular consequence: missense variant.
Genome position (GRCh38, 1-based): chr15:40,936,912, C>T. VCF-style: chr15-40936912-C-T. GRCh37 (hg19) VCF-style: chr15-41229110-C-T.
Other names: c.1925C>T (NM_019074.3); short protein forms A642V.
Identifiers: ClinVar variation 2982517 (VCV002982517.4), dbSNP rs764975171, ClinGen allele CA7488021.
Genomic context (GRCh38, chr15:40,936,912, plus strand): 5'-TGGGGCGGGGGACCATGCCAGGAAAGTTTCCCCACAGTGACAAGAGCTTAGGAGAGAAGG[C>T]GCCACTGCGGTTACACAGGTGAGTGGCACCCAGAAGCCCAGGGCCTGGCCACCGGCCCCG-3'
Protein context (NP_061947.1, residues 632-652): PHSDKSLGEK[Ala642Val]PLRLHSEKPE